The following is an entry in ClinVar:

ClinVar aggregate classification (germline): Conflicting classifications of pathogenicity. Review status: criteria provided, conflicting classifications (1 of 4 stars). 3 submissions from 2 submitters: Uncertain significance (1); Likely benign (2). Last evaluated 2024-01-05.

Conditions:
Brachydactyly type B1 (BDB1). Identifiers: Orphanet 572385, Orphanet 93383, MedGen C1862112, MONDO:0007220, OMIM 113000.
Autosomal recessive Robinow syndrome (RRS1). Also called: COSTOVERTEBRAL SEGMENTATION DEFECT WITH MESOMELIA; COVESDEM SYNDROME; ROR2-Related Robinow Syndrome; ROBINOW SYNDROME, AUTOSOMAL RECESSIVE 1. Identifiers: Orphanet 1507, Orphanet 97360, MedGen C5399974, MONDO:0009999, OMIM 268310.

Allele frequency attached by ClinVar (database versions not stated): ExAC 0.00006; gnomAD exomes 0.00006; TOPMed 0.00006; gnomAD 0.00007 and 0.00009; ESP Exome Variant Server 0.00008.
gnomAD v4.1: 68 of 1,614,058 alleles (0.0042%); highest among the groups gnomAD compares: Non-Finnish European, 0.00042%; no homozygotes.

Submissions (3):

Labcorp Genetics (formerly Invitae), Labcorp
Classification: Likely benign. Last evaluated: 2024-01-05. Review status: criteria provided, single submitter. Criteria: Invitae Variant Classification Sherloc (09022015). Collection method: clinical testing. Allele origin: germline.

Illumina Laboratory Services, Illumina
Classification: Uncertain significance for Autosomal recessive Robinow syndrome. Last evaluated: 2018-01-13. Review status: criteria provided, single submitter. Criteria: ICSL Variant Classification Criteria 13 December 2019. Collection method: clinical testing. Allele origin: germline.

Illumina Laboratory Services, Illumina
Classification: Likely benign for Brachydactyly type B1. Last evaluated: 2018-01-13. Review status: criteria provided, single submitter. Criteria: ICSL Variant Classification Criteria 13 December 2019. Collection method: clinical testing. Allele origin: germline.
Comment: This variant was observed in the ICSL laboratory as part of a predisposition screen in an ostensibly healthy population. It had not been previously curated by ICSL or reported in the Human Gene Mutation Database (HGMD: prior to June 1st, 2018), and was therefore a candidate for classification through an automated scoring system. Utilizing variant allele frequency, disease prevalence and penetrance estimates, and inheritance mode, an automated score was calculated to assess if this variant is too frequent to cause the disease. Based on the score and internal cut-off values, a variant classified as likely benign is not then subjected to further curation. The score for this variant resulted in a classification of likely benign for this disease.

NM_004560.4(ROR2):c.155G>A (p.Gly52Asp)

Gene: ROR2 (receptor tyrosine kinase like orphan receptor 2; minus strand). Cytogenetic location: 9q22.31.
Variant type: single nucleotide variant.
Coding change: c.155G>A on transcript NM_004560.4 (MANE Select); coding-DNA position 155, G replaced by A.
Protein change: p.Gly52Asp; replaces glycine 52 with aspartic acid.
Molecular consequence: missense variant.
Genome position (GRCh38, 1-based): chr9:91,775,761, C>T on the plus strand (G>A on the coding strand, the complement: ROR2 is on the minus strand). VCF-style: chr9-91775761-C-T. GRCh37 (hg19) VCF-style: chr9-94538043-C-T.
Other names: c.155G>A, p.Gly52Asp (NM_001318204.2); short protein forms G52D.
Identifiers: ClinVar variation 914967 (VCV000914967.11), dbSNP rs201425107, ClinGen allele CA5121120.